The following is an entry in ClinVar:

NM_005654.6(NR2F1):c.1050C>A (p.Cys350Ter)

Gene: NR2F1 (nuclear receptor subfamily 2 group F member 1; plus strand). Cytogenetic location: 5q15.
Variant type: single nucleotide variant.
Coding change: c.1050C>A on transcript NM_005654.6 (MANE Select); coding-DNA position 1050, C replaced by A.
Protein change: p.Cys350Ter; replaces cysteine 350 with a stop codon.
Molecular consequence: nonsense.
Genome position (GRCh38, 1-based): chr5:93,593,620, C>A. VCF-style: chr5-93593620-C-A. GRCh37 (hg19) VCF-style: chr5-92929326-C-A.
Other names: short protein forms C350*.
Identifiers: ClinVar variation 423875 (VCV000423875.2), dbSNP rs530910180, ClinGen allele CA16618225.
Genomic context (GRCh38, chr5:93,593,620, plus strand): 5'-AGACGCCTGTGGCCTGTCGGATGCGGCCCACATCGAGAGCCTGCAGGAGAAGTCGCAGTG[C>A]GCACTGGAGGAGTACGTGAGGAGCCAGTACCCCAACCAGCCCAGCCGTTTTGGCAAACTG-3'

ClinVar aggregate classification (germline): Likely pathogenic (1 of 4 stars; one submission).

Submission:

GeneDx
Classification: Likely pathogenic. Last evaluated: 2017-02-28. Review status: criteria provided, single submitter. Criteria: GeneDx Variant Classification (06012015). Collection method: clinical testing. Allele origin: germline. Affected: yes.
Comment: The C350X variant in the NR2F1 gene has not been reported previously as a pathogenic variant nor as a benign variant, to our knowledge. This variant causes the loss of the last 74 residues of the protein and is predicted to cause loss of normal protein function through protein truncation. The C350X variant is not observed in large population cohorts (Lek et al., 2016; 1000 Genomes Consortium et al., 2015; Exome Variant Server). We interpret C350X as a likely pathogenic variant.